The following is an entry in ClinVar:

NM_000051.4(ATM):c.8179G>T (p.Val2727Phe)

Genes: ATM (ATM serine/threonine kinase; plus strand), C11orf65 (chromosome 11 open reading frame 65; minus strand). Cytogenetic location: 11q22.3.
Variant type: single nucleotide variant.
Coding change: c.8179G>T on transcript NM_000051.4 (MANE Select); coding-DNA position 8179, G replaced by T.
Protein change: p.Val2727Phe; replaces valine 2727 with phenylalanine.
Molecular consequence: missense variant. On other transcripts: intron variant (2).
Genome position (GRCh38, 1-based): chr11:108,335,872, G>T. VCF-style: chr11-108335872-G-T. GRCh37 (hg19) VCF-style: chr11-108206599-G-T.
Other names: c.8179G>T, p.Val2727Phe (NM_001351834.2); c.641-26801C>A (NM_001330368.2); c.695-580C>A (NM_001351110.2); short protein forms V2727F.
Identifiers: ClinVar variation 2625007 (VCV002625007.2), dbSNP rs2136693434, ClinGen allele CA382562512.

ClinVar aggregate classification (germline): Uncertain significance (1 of 4 stars; one submission).

Conditions:
Hereditary cancer-predisposing syndrome. Also called: Hereditary Cancer Syndrome; Hereditary neoplastic syndrome; Neoplastic Syndromes, Hereditary; Tumor predisposition. Identifiers: Orphanet 140162, MedGen C0027672, MeSH D009386, MONDO:0015356.

Submission:

Ambry Genetics
Classification: Uncertain significance for Hereditary cancer-predisposing syndrome. Last evaluated: 2023-08-03. Review status: criteria provided, single submitter. Criteria: Ambry Variant Classification Scheme 2023. Collection method: clinical testing. Allele origin: germline.
Comment: The p.V2727F variant (also known as c.8179G>T), located in coding exon 55 of the ATM gene, results from a G to T substitution at nucleotide position 8179. The valine at codon 2727 is replaced by phenylalanine, an amino acid with highly similar properties. This amino acid position is highly conserved in available vertebrate species. In addition, this alteration is predicted to be deleterious by in silico analysis. Since supporting evidence is limited at this time, the clinical significance of this alteration remains unclear.